The following is an entry in ClinVar:

ClinVar aggregate classification (germline): Uncertain significance. Review status: criteria provided, multiple submitters, no conflicts (2 of 4 stars). 3 submissions from 3 submitters: Uncertain significance (3). Last evaluated 2025-01-05.

Conditions:
Cardiovascular phenotype. Identifiers: MedGen CN230736.
Hereditary cancer-predisposing syndrome. Also called: Neoplastic Syndromes, Hereditary; Tumor predisposition; Hereditary Cancer Syndrome; Hereditary neoplastic syndrome. Identifiers: Orphanet 140162, MedGen C0027672, MeSH D009386, MONDO:0015356.
LZTR1-related schwannomatosis. Also called: Schwannomatosis 2; Schwannomatosis-2, susceptibility to. Identifiers: Orphanet 93921, MedGen C3810283, MONDO:0014299, OMIM 615670.

gnomAD v4.1: 2 of 1,612,924 alleles (0.00012%); highest among the groups gnomAD compares: Non-Finnish European, 0.00017%; no homozygotes.

Submissions (3):

Ambry Genetics
Classification: Uncertain significance for Cardiovascular phenotype; Hereditary cancer-predisposing syndrome. Last evaluated: 2025-01-05. Review status: criteria provided, single submitter. Criteria: Ambry Variant Classification Scheme 2023. Collection method: clinical testing. Allele origin: germline.
Comment: The p.N578K variant (also known as c.1734C>A), located in coding exon 15 of the LZTR1 gene, results from a C to A substitution at nucleotide position 1734. The asparagine at codon 578 is replaced by lysine, an amino acid with similar properties. This amino acid position is conserved. In addition, this alteration is predicted to be tolerated by in silico analysis. Based on the available evidence, the clinical significance of this variant remains unclear.

Labcorp Genetics (formerly Invitae), Labcorp
Classification: Uncertain significance. Last evaluated: 2023-12-13. Review status: criteria provided, single submitter. Criteria: Invitae Variant Classification Sherloc (09022015). Collection method: clinical testing. Allele origin: germline.
Comment: This sequence change replaces asparagine, which is neutral and polar, with lysine, which is basic and polar, at codon 578 of the LZTR1 protein (p.Asn578Lys). This variant is not present in population databases (gnomAD no frequency). This variant has not been reported in the literature in individuals affected with LZTR1-related conditions. Advanced modeling of protein sequence and biophysical properties (such as structural, functional, and spatial information, amino acid conservation, physicochemical variation, residue mobility, and thermodynamic stability) performed at Invitae indicates that this missense variant is not expected to disrupt LZTR1 protein function with a negative predictive value of 80%. In summary, the available evidence is currently insufficient to determine the role of this variant in disease. Therefore, it has been classified as a Variant of Uncertain Significance.

Baylor Genetics
Classification: Uncertain significance for LZTR1-related schwannomatosis. Last evaluated: 2023-06-15. Review status: criteria provided, single submitter. Criteria: ACMG Guidelines, 2015. Collection method: clinical testing. Allele origin: unknown.

NM_006767.4(LZTR1):c.1734C>A (p.Asn578Lys)

Gene: LZTR1 (leucine zipper like post translational regulator 1; plus strand). Cytogenetic location: 22q11.21.
Variant type: single nucleotide variant.
Coding change: c.1734C>A on transcript NM_006767.4 (MANE Select); coding-DNA position 1734, C replaced by A.
Protein change: p.Asn578Lys; replaces asparagine 578 with lysine.
Molecular consequence: missense variant.
Genome position (GRCh38, 1-based): chr22:20,994,676, C>A. VCF-style: chr22-20994676-C-A. GRCh37 (hg19) VCF-style: chr22-21348965-C-A.
Other names: c.1734C>A (NM_006767.3); short protein forms N578K.
Identifiers: ClinVar variation 2676408 (VCV002676408.5), dbSNP rs199619910, ClinGen allele CA410778153.